The following is an entry in ClinVar:

ClinVar aggregate classification (germline): Uncertain significance (1 of 4 stars; one submission).

Conditions:
3-methylcrotonyl-CoA carboxylase 2 deficiency. Also called: 3 alpha methylcrotonyl-CoA carboxylase 2 deficiency; 3 alpha methylcrotonylglycinuria 2; MCC 2 deficiency; Methylcrotonylglycinuria type 2; METHYLCROTONYLGLYCINURIA, TYPE II. Identifiers: Orphanet 6, MedGen C1859499, MONDO:0008862, OMIM 210210.

Submission:

Labcorp Genetics (formerly Invitae), Labcorp
Classification: Uncertain significance for 3-methylcrotonyl-CoA carboxylase 2 deficiency. Last evaluated: 2022-04-19. Review status: criteria provided, single submitter. Criteria: Invitae Variant Classification Sherloc (09022015). Collection method: clinical testing. Allele origin: germline.
Comment: In summary, the available evidence is currently insufficient to determine the role of this variant in disease. Therefore, it has been classified as a Variant of Uncertain Significance. Variants that disrupt the consensus splice site are a relatively common cause of aberrant splicing (PMID: 17576681, 9536098). Algorithms developed to predict the effect of sequence changes on RNA splicing suggest that this variant may disrupt the consensus splice site. This variant has not been reported in the literature in individuals affected with MCCC2-related conditions. This variant is not present in population databases (gnomAD no frequency). This sequence change falls in intron 16 of the MCCC2 gene. It does not directly change the encoded amino acid sequence of the MCCC2 protein. It affects a nucleotide within the consensus splice site.

Literature cited by the submitters: PubMed 17576681; PubMed 9536098.

NM_022132.5(MCCC2):c.1574+3G>T

Gene: MCCC2 (methylcrotonyl-CoA carboxylase subunit 2; plus strand). Cytogenetic location: 5q13.2.
Variant type: single nucleotide variant.
Coding change: c.1574+3G>T on transcript NM_022132.5 (MANE Select); 3 bases into the intron after coding-DNA position 1574, G replaced by T.
Molecular consequence: intron variant.
Genome position (GRCh38, 1-based): chr5:71,652,757, G>T. VCF-style: chr5-71652757-G-T. GRCh37 (hg19) VCF-style: chr5-70948584-G-T.
Other names: c.1460+3G>T (NM_001363147.1).
Identifiers: ClinVar variation 2128047 (VCV002128047.4), dbSNP rs1413871628, ClinGen allele CA2580073509.